The following is an entry in ClinVar:

ClinVar aggregate classification (germline): Benign (0 of 4 stars; one submission).

Conditions:
RHEX-related disorder. Also called: RHEX-related condition.

Allele frequency attached by ClinVar (database versions not stated): ESP Exome Variant Server 0.06289; TOPMed 0.06429; gnomAD 0.06930; 1000 Genomes Project 30x 0.07480; 1000 Genomes Project 0.07808; gnomAD exomes 0.09072; ExAC 0.09452.
gnomAD v4.1: 142,959 of 1,612,210 alleles (8.9%); highest among the groups gnomAD compares: South Asian, 19%; 7,296 homozygotes.

Submission:

PreventionGenetics, part of Exact Sciences
Classification: Benign for RHEX-related condition. Last evaluated: 2019-12-02. Review status: no assertion criteria provided. Collection method: clinical testing. Allele origin: germline.
Comment: This variant is classified as benign based on ACMG/AMP sequence variant interpretation guidelines (Richards et al. 2015 PMID: 25741868, with internal and published modifications).

NM_001007544.4(RHEX):c.483G>A (p.Leu161=)

Gene: RHEX (regulator of hemoglobinization and erythroid cell expansion; plus strand). Cytogenetic location: 1q32.1.
Variant type: single nucleotide variant.
Coding change: c.483G>A on transcript NM_001007544.4 (MANE Select); coding-DNA position 483, G replaced by A.
Protein change: p.Leu161=; no amino-acid change (leucine 161 retained).
Molecular consequence: synonymous variant.
Genome position (GRCh38, 1-based): chr1:206,101,916, G>A. VCF-style: chr1-206101916-G-A. GRCh37 (hg19) VCF-style: chr1-206239415-C-T.
Other names: c.483G>A, p.Leu161= (NM_001369490.1).
Identifiers: ClinVar variation 3060174 (VCV003060174.2), dbSNP rs28639473, ClinGen allele CA1359570.